The following is an entry in ClinVar:

ClinVar aggregate classification (germline): Uncertain significance (1 of 4 stars; one submission).

Conditions:
Cystic fibrosis (CF). Also called: MUCOVISCIDOSIS. Identifiers: Orphanet 586, MedGen C0010674, MONDO:0009061, OMIM 219700. Disease mechanism: loss of function.

gnomAD v4.1: 1 of 1,589,020 alleles (0.000063%); no homozygotes.

Submission:

Ambry Genetics
Classification: Uncertain significance for Cystic fibrosis. Last evaluated: 2023-05-14. Review status: criteria provided, single submitter. Criteria: Ambry Variant Classification Scheme 2023. Collection method: clinical testing. Allele origin: germline.
Comment: The p.T398K variant (also known as c.1193C>A), located in coding exon 9 of the CFTR gene, results from a C to A substitution at nucleotide position 1193. The threonine at codon 398 is replaced by lysine, an amino acid with similar properties. This amino acid position is conserved. In addition, this alteration is predicted to be deleterious by in silico analysis. Since supporting evidence is limited at this time, the clinical significance of this alteration remains unclear.

NM_000492.4(CFTR):c.1193C>A (p.Thr398Lys)

Gene: CFTR (CF transmembrane conductance regulator; plus strand). Cytogenetic location: 7q31.2.
Variant type: single nucleotide variant.
Coding change: c.1193C>A on transcript NM_000492.4 (MANE Select); coding-DNA position 1193, C replaced by A.
Protein change: p.Thr398Lys; replaces threonine 398 with lysine.
Molecular consequence: missense variant.
Genome position (GRCh38, 1-based): chr7:117,542,092, C>A. VCF-style: chr7-117542092-C-A. GRCh37 (hg19) VCF-style: chr7-117182146-C-A.
Other names: short protein forms T398K.
Identifiers: ClinVar variation 2567888 (VCV002567888.2), dbSNP rs2485030511, ClinGen allele CA368980217.